The following is an entry in ClinVar:

NM_000271.5(NPC1):c.764C>G (p.Pro255Arg)

Gene: NPC1 (NPC intracellular cholesterol transporter 1; minus strand). Cytogenetic location: 18q11.2.
Variant type: single nucleotide variant.
Coding change: c.764C>G on transcript NM_000271.5 (MANE Select); coding-DNA position 764, C replaced by G.
Protein change: p.Pro255Arg; replaces proline 255 with arginine.
Molecular consequence: missense variant.
Genome position (GRCh38, 1-based): chr18:23,560,348, G>C on the plus strand (C>G on the coding strand, the complement: NPC1 is on the minus strand). VCF-style: chr18-23560348-G-C. GRCh37 (hg19) VCF-style: chr18-21140312-G-C.
Other names: short protein forms P255R.
Identifiers: ClinVar variation 2085733 (VCV002085733.1), dbSNP rs371023983, ClinGen allele CA8913648.

ClinVar aggregate classification (germline): Uncertain significance (1 of 4 stars; one submission).

Conditions:
Niemann-Pick disease, type C1. Also called: NIEMANN-PICK DISEASE, VARIANT TYPE C1; NEUROVISCERAL STORAGE DISEASE WITH VERTICAL SUPRANUCLEAR OPHTHALMOPLEGIA; NIEMANN-PICK DISEASE WITH CHOLESTEROL ESTERIFICATION BLOCK; NIEMANN-PICK DISEASE WITHOUT SPHINGOMYELINASE DEFICIENCY; NIEMANN-PICK DISEASE, CHRONIC NEURONOPATHIC FORM. Identifiers: Orphanet 646, MedGen C3179455, MONDO:0009757, OMIM 257220.

Allele frequency attached by ClinVar (database versions not stated): gnomAD exomes below 0.00001; ExAC 0.00001; TOPMed 0.00001; gnomAD 0.00002; ESP Exome Variant Server 0.00008.
gnomAD v4.1: 9 of 1,614,134 alleles (0.00056%); highest among the groups gnomAD compares: Non-Finnish European, 0.00076%; no homozygotes.

Submission:

Labcorp Genetics (formerly Invitae), Labcorp
Classification: Uncertain significance for Niemann-Pick disease, type C1. Last evaluated: 2022-08-10. Review status: criteria provided, single submitter. Criteria: Invitae Variant Classification Sherloc (09022015). Collection method: clinical testing. Allele origin: germline.
Comment: This sequence change replaces proline, which is neutral and non-polar, with arginine, which is basic and polar, at codon 255 of the NPC1 protein (p.Pro255Arg). This variant is not present in population databases (gnomAD no frequency). This variant has not been reported in the literature in individuals affected with NPC1-related conditions. Advanced modeling of protein sequence and biophysical properties (such as structural, functional, and spatial information, amino acid conservation, physicochemical variation, residue mobility, and thermodynamic stability) performed at Invitae indicates that this missense variant is expected to disrupt NPC1 protein function. In summary, the available evidence is currently insufficient to determine the role of this variant in disease. Therefore, it has been classified as a Variant of Uncertain Significance.